The following is an entry in ClinVar:

NM_001376.5(DYNC1H1):c.8452G>A (p.Val2818Ile)

Gene: DYNC1H1 (dynein cytoplasmic 1 heavy chain 1; plus strand). Cytogenetic location: 14q32.31.
Variant type: single nucleotide variant.
Coding change: c.8452G>A on transcript NM_001376.5 (MANE Select); coding-DNA position 8452, G replaced by A.
Protein change: p.Val2818Ile; replaces valine 2818 with isoleucine.
Molecular consequence: missense variant.
Genome position (GRCh38, 1-based): chr14:102,020,001, G>A. VCF-style: chr14-102020001-G-A. GRCh37 (hg19) VCF-style: chr14-102486338-G-A.
Other names: short protein forms V2818I.
Identifiers: ClinVar variation 3371970 (VCV003371970.1).

ClinVar aggregate classification (germline): Uncertain significance (1 of 4 stars; one submission).

Submission:

GeneDx
Classification: Uncertain significance. Last evaluated: 2024-04-07. Review status: criteria provided, single submitter. Criteria: GeneDx Variant Classification Process June 2021. Collection method: clinical testing. Allele origin: germline. Affected: yes.
Comment: Not observed at significant frequency in large population cohorts (gnomAD); In silico analysis indicates that this missense variant does not alter protein structure/function; Has not been previously published as pathogenic or benign to our knowledge; This variant is associated with the following publications: (PMID: 25512093, 25609763, 26100331)